The following is an entry in ClinVar:

NM_004380.3(CREBBP):c.1369A>G (p.Ile457Val)

Gene: CREBBP (CREB binding lysine acetyltransferase; minus strand). Cytogenetic location: 16p13.3.
Variant type: single nucleotide variant.
Coding change: c.1369A>G on transcript NM_004380.3 (MANE Select); coding-DNA position 1369, A replaced by G.
Protein change: p.Ile457Val; replaces isoleucine 457 with valine.
Molecular consequence: missense variant.
Genome position (GRCh38, 1-based): chr16:3,782,888, T>C on the plus strand (A>G on the coding strand, the complement: CREBBP is on the minus strand). VCF-style: chr16-3782888-T-C. GRCh37 (hg19) VCF-style: chr16-3832889-T-C.
Other names: c.1255A>G, p.Ile419Val (NM_001079846.1); short protein forms I457V, I419V.
Identifiers: ClinVar variation 95024 (VCV000095024.17), dbSNP rs369459749, ClinGen allele CA222672.
Genomic context (GRCh38, chr16:3,782,888, plus strand): 5'-CTATGGGATTTGGGTTACTTAAAGAAGTGGCATTCTGTTGCCCTGTGCCAACAGAACCAA[T>C]TGTGTTTTGAATTCCACTAGCTGGAGACCCCAGGATGGCTATAACGACAAACAGACAGAC-3'
Protein context (NP_004371.2, residues 447-467): GSPASGIQNT[Ile457Val]GSVGTGQQNA

ClinVar aggregate classification (germline): Conflicting classifications of pathogenicity. Review status: criteria provided, conflicting classifications (1 of 4 stars). 6 submissions from 6 submitters: Uncertain significance (3); Benign (1); Likely benign (1). 1 of the submissions does not count toward it. Last evaluated 2025-11-18.

Conditions:
CREBBP-related disorder. Also called: CREBBP-related disorders; CREBBP-related condition.
Rubinstein-Taybi syndrome (RSTS). Identifiers: Orphanet 783, MedGen C0035934, MONDO:0019188.
Inborn genetic diseases. Identifiers: MedGen C0950123, MeSH D030342.
Rubinstein-Taybi syndrome due to CREBBP mutations (RSTS1). Also called: RUBINSTEIN-TAYBI SYNDROME 1, INCOMPLETE; RUBINSTEIN SYNDROME; CREBBP-Related Rubinstein-Taybi Syndrome; BROAD THUMB-HALLUX SYNDROME; Rubinstein-Taybi syndrome 1; BROAD THUMBS AND GREAT TOES, CHARACTERISTIC FACIES, AND IMPAIRED INTELLECTUAL DEVELOPMENT. Identifiers: Orphanet 353277, Orphanet 783, MedGen C4551859, MONDO:0008393, OMIM 180849.

Allele frequency attached by ClinVar (database versions not stated): gnomAD 0.00009; ESP Exome Variant Server 0.00008; ExAC 0.00006; TOPMed 0.00008; gnomAD exomes 0.00004.
gnomAD v4.1: 67 of 1,614,066 alleles (0.0042%); highest among the groups gnomAD compares: Middle Eastern, 0.033%; no homozygotes.

Submissions (6):

Labcorp Genetics (formerly Invitae), Labcorp
Classification: Likely benign for Rubinstein-Taybi syndrome. Last evaluated: 2025-11-18. Review status: criteria provided, single submitter. Criteria: Invitae Variant Classification Sherloc (09022015). Collection method: clinical testing. Allele origin: germline.

New York Genome Center
Classification: Uncertain significance for Rubinstein-Taybi syndrome due to CREBBP mutations. Last evaluated: 2021-07-09. Review status: criteria provided, single submitter. Criteria: NYGC Assertion Criteria 2020. Collection method: clinical testing. Allele origin: germline. Observed: 1 heterozygote. Study: CSER-NYCKidSeq.

GeneDx
Classification: Benign. Last evaluated: 2020-09-18. Review status: criteria provided, single submitter. Criteria: GeneDx Variant Classification Process June 2021. Collection method: clinical testing. Allele origin: germline. Affected: yes.

Ambry Genetics
Classification: Uncertain significance for Inborn genetic diseases. Last evaluated: 2018-01-25. Review status: criteria provided, single submitter. Criteria: Ambry Variant Classification Scheme 2023. Collection method: clinical testing. Allele origin: germline.
Comment: The p.I457V variant (also known as c.1369A>G), located in coding exon 6 of the CREBBP gene, results from an A to G substitution at nucleotide position 1369. The isoleucine at codon 457 is replaced by valine, an amino acid with highly similar properties. This amino acid position is well conserved in available vertebrate species. In addition, this alteration is predicted to be tolerated by in silico analysis. Since supporting evidence is limited at this time, the clinical significance of this alteration remains unclear.

Eurofins Ntd Llc (ga)
Classification: Uncertain significance. Last evaluated: 2015-06-04. Review status: criteria provided, single submitter. Criteria: EGL Classification Definitions 2015. Collection method: clinical testing. Allele origin: germline. Observed: 4 variant alleles, 4 heterozygotes.

PreventionGenetics, part of Exact Sciences
Classification: Likely benign for CREBBP-related condition. Last evaluated: 2021-10-09. Review status: no assertion criteria provided. Collection method: clinical testing. Allele origin: germline. Not counted in ClinVar's aggregate classification.
Comment: This variant is classified as likely benign based on ACMG/AMP sequence variant interpretation guidelines (Richards et al. 2015 PMID: 25741868, with internal and published modifications).